The following is an entry in ClinVar:

ClinVar aggregate classification (germline): Uncertain significance (1 of 4 stars; one submission).

Submission:

GeneDx
Classification: Uncertain significance. Last evaluated: 2024-06-07. Review status: criteria provided, single submitter. Criteria: GeneDx Variant Classification Process June 2021. Collection method: clinical testing. Allele origin: germline. Affected: yes.
Comment: Not observed at significant frequency in large population cohorts (gnomAD); In silico analysis supports that this missense variant has a deleterious effect on protein structure/function; Has not been previously published as pathogenic or benign to our knowledge

NM_021096.4(CACNA1I):c.2172C>G (p.Asp724Glu)

Gene: CACNA1I (calcium voltage-gated channel subunit alpha1 I; plus strand). Cytogenetic location: 22q13.1.
Variant type: single nucleotide variant.
Coding change: c.2172C>G on transcript NM_021096.4 (MANE Select); coding-DNA position 2172, C replaced by G.
Protein change: p.Asp724Glu; replaces aspartic acid 724 with glutamic acid.
Molecular consequence: missense variant.
Genome position (GRCh38, 1-based): chr22:39,658,958, C>G. VCF-style: chr22-39658958-C-G. GRCh37 (hg19) VCF-style: chr22-40054963-C-G.
Other names: c.2067C>G, p.Asp689Glu (NM_001003406.2); short protein forms D689E, D724E.
Identifiers: ClinVar variation 3384315 (VCV003384315.1).